The following is an entry in ClinVar:

ClinVar aggregate classification (germline): Uncertain significance (1 of 4 stars; one submission).

gnomAD v4.1: 45 of 1,613,520 alleles (0.0028%); highest among the groups gnomAD compares: Non-Finnish European, 0.0036%; no homozygotes.

Submission:

Ambry Genetics
Classification: Uncertain significance. Last evaluated: 2025-09-28. Review status: criteria provided, single submitter. Criteria: Ambry Variant Classification Scheme 2023. Collection method: clinical testing. Allele origin: germline.
Comment: The c.10619G>C (p.R3540P) alteration is located in exon 18 (coding exon 18) of the FAT3 gene. This alteration results from a G to C substitution at nucleotide position 10619, causing the arginine (R) at amino acid position 3540 to be replaced by a proline (P). Based on data from gnomAD, the C allele has an overall frequency of 0.001% (3/280450) total alleles studied. The highest observed frequency was 0.004% (1/24196) of African alleles. Based on insufficient or conflicting evidence, the clinical significance of this alteration remains unclear.

NM_001367949.2(FAT3):c.10619G>C (p.Arg3540Pro)

Gene: FAT3 (FAT atypical cadherin 3; plus strand). Cytogenetic location: 11q14.3.
Variant type: single nucleotide variant.
Coding change: c.10619G>C on transcript NM_001367949.2 (MANE Select); coding-DNA position 10619, G replaced by C.
Protein change: p.Arg3540Pro; replaces arginine 3540 with proline.
Molecular consequence: missense variant.
Genome position (GRCh38, 1-based): chr11:92,843,986, G>C. VCF-style: chr11-92843986-G-C. GRCh37 (hg19) VCF-style: chr11-92577152-G-C.
Other names: c.10619G>C, p.Arg3540Pro (NM_001008781.3); short protein forms R3540P.
Identifiers: ClinVar variation 4667185 (VCV004667185.1).